The following is an entry in ClinVar:

ClinVar aggregate classification (germline): Uncertain significance (1 of 4 stars; one submission).

Conditions:
Dyskeratosis congenita. Identifiers: Orphanet 1775, MedGen C0265965, MONDO:0015780.

gnomAD v4.1: 1 of 1,542,034 alleles (0.000065%); highest among the groups gnomAD compares: Non-Finnish European, 0.000087%; no homozygotes.

Submission:

Ambry Genetics
Classification: Uncertain significance for Dyskeratosis congenita. Last evaluated: 2025-05-08. Review status: criteria provided, single submitter. Criteria: Ambry Variant Classification Scheme 2023. Collection method: clinical testing. Allele origin: germline.
Comment: The p.Y333C variant (also known as c.998A>G), located in coding exon 2 of the TERT gene, results from an A to G substitution at nucleotide position 998. The tyrosine at codon 333 is replaced by cysteine, an amino acid with highly dissimilar properties. This amino acid position is conserved. In addition, this alteration is predicted to be deleterious by in silico analysis. Based on the available evidence, the clinical significance of this variant remains unclear.

NM_198253.3(TERT):c.998A>G (p.Tyr333Cys)

Gene: TERT (telomerase reverse transcriptase; minus strand). Cytogenetic location: 5p15.33.
Variant type: single nucleotide variant.
Coding change: c.998A>G on transcript NM_198253.3 (MANE Select); coding-DNA position 998, A replaced by G.
Protein change: p.Tyr333Cys; replaces tyrosine 333 with cysteine.
Molecular consequence: missense variant. On other transcripts: non-coding transcript variant (2).
Genome position (GRCh38, 1-based): chr5:1,293,888, T>C on the plus strand (A>G on the coding strand, the complement: TERT is on the minus strand). VCF-style: chr5-1293888-T-C. GRCh37 (hg19) VCF-style: chr5-1294003-T-C.
Other names: c.998A>G, p.Tyr333Cys (NM_001193376.3); short protein forms Y333C.
Identifiers: ClinVar variation 3967362 (VCV003967362.1).
Genomic context (GRCh38, chr5:1,293,888, plus strand): 5'-CTGGGCCTCAGAGAGCTGAGTAGGAAGGAGGGCCGCAGCTGCTCCTTGTCGCCTGAGGAG[T>C]AGAGGAAGTGCTTGGTCTCGGCGTACACCGGGGGACAAGGCGTGTCCCAGGGACGTGGTG-3'
Protein context (NP_937983.2, residues 323-343): PVYAETKHFL[Tyr333Cys]SSGDKEQLRP